The following is an entry in ClinVar:

ClinVar aggregate classification (germline): Uncertain significance (1 of 4 stars; one submission).

Conditions:
Hereditary cancer-predisposing syndrome. Also called: Hereditary Cancer Syndrome; Neoplastic Syndromes, Hereditary; Tumor predisposition; Hereditary neoplastic syndrome. Identifiers: Orphanet 140162, MedGen C0027672, MeSH D009386, MONDO:0015356.

Submission:

Ambry Genetics
Classification: Uncertain significance for Hereditary cancer-predisposing syndrome. Last evaluated: 2025-12-10. Review status: criteria provided, single submitter. Criteria: Ambry Variant Classification Scheme 2023. Collection method: clinical testing. Allele origin: germline.
Comment: The p.P2614R variant (also known as c.7841C>G), located in coding exon 52 of the ATM gene, results from a C to G substitution at nucleotide position 7841. The proline at codon 2614 is replaced by arginine, an amino acid with dissimilar properties. This amino acid position is conserved. In addition, this alteration is predicted to be tolerated by in silico analysis. Based on the available evidence, the clinical significance of this variant remains unclear.

NM_000051.4(ATM):c.7841C>G (p.Pro2614Arg)

Genes: ATM (ATM serine/threonine kinase; plus strand), C11orf65 (chromosome 11 open reading frame 65; minus strand). Cytogenetic location: 11q22.3.
Variant type: single nucleotide variant.
Coding change: c.7841C>G on transcript NM_000051.4 (MANE Select); coding-DNA position 7841, C replaced by G.
Protein change: p.Pro2614Arg; replaces proline 2614 with arginine.
Molecular consequence: missense variant. On other transcripts: intron variant (2).
Genome position (GRCh38, 1-based): chr11:108,332,814, C>G. VCF-style: chr11-108332814-C-G. GRCh37 (hg19) VCF-style: chr11-108203541-C-G.
Other names: c.7841C>G, p.Pro2614Arg (NM_001351834.2); c.641-23743G>C (NM_001330368.2); c.*38+2406G>C (NM_001351110.2); short protein forms P2614R.
Identifiers: ClinVar variation 4618765 (VCV004618765.1).
Genomic context (GRCh38, chr11:108,332,814, plus strand): 5'-ATTAATAGGATCGAACAGAGGCTGCAAATAGAATAATATGTACTATCAGAAGTAGGAGAC[C>G]TCAGATGGTCAGAAGTGTTGAGGCACTTTGTGATGCTTATATTATATTAGCAAACTTAGA-3'
Protein context (NP_000042.3, residues 2604-2624): RIICTIRSRR[Pro2614Arg]QMVRSVEALC